The following is an entry in ClinVar:

NM_001854.4(COL11A1):c.1413+47A>G

Gene: COL11A1 (collagen type XI alpha 1 chain; minus strand). Cytogenetic location: 1p21.1.
Variant type: single nucleotide variant.
Coding change: c.1413+47A>G on transcript NM_001854.4 (MANE Select); 47 bases into the intron after coding-DNA position 1413, A replaced by G.
Molecular consequence: intron variant.
Genome position (GRCh38, 1-based): chr1:103,017,773, T>C on the plus strand (A>G on the coding strand, the complement: COL11A1 is on the minus strand). VCF-style: chr1-103017773-T-C. GRCh37 (hg19) VCF-style: chr1-103483329-T-C.
Other names: c.1296+47A>G (NM_001190709.2); c.1449+47A>G (NM_080629.3); c.1065+47A>G (NM_080630.4).
Identifiers: ClinVar variation 674969 (VCV000674969.2), dbSNP rs3767272, ClinGen allele CA974985.

ClinVar aggregate classification (germline): Benign. Review status: criteria provided, multiple submitters, no conflicts (2 of 4 stars). 2 submissions from 2 submitters: Benign (2). Last evaluated 2018-06-14.

Allele frequency attached by ClinVar (database versions not stated): gnomAD 0.02240 and 0.02425; ESP Exome Variant Server 0.02299; TOPMed 0.02517; gnomAD exomes 0.02836 and 0.02994; ExAC 0.03014; 1000 Genomes Project 30x 0.03310; 1000 Genomes Project 0.03474.
gnomAD v4.1: 40,664 of 1,453,522 alleles (2.8%); highest among the groups gnomAD compares: East Asian, 6.1%; 734 homozygotes.

Submissions (2):

GeneDx
Classification: Benign. Last evaluated: 2018-06-14. Review status: criteria provided, single submitter. Criteria: GeneDx Variant Classification (06012015). Collection method: clinical testing. Allele origin: germline. Affected: yes.
Comment: This variant is considered likely benign or benign based on one or more of the following criteria: it is a conservative change, it occurs at a poorly conserved position in the protein, it is predicted to be benign by multiple in silico algorithms, and/or has population frequency not consistent with disease.

Breakthrough Genomics
Classification: Benign. Review status: criteria provided, single submitter. Criteria: ACMG Guidelines, 2015. Collection method: not provided. Allele origin: germline. Inheritance: Autosomal recessive inheritance. Affected: yes.